The following is an entry in ClinVar:

ClinVar aggregate classification (germline): Likely benign. Review status: criteria provided, multiple submitters, no conflicts (2 of 4 stars). 3 submissions from 3 submitters: Likely benign (3). Last evaluated 2025-12-24.

Conditions:
Autosomal dominant nonsyndromic hearing loss 1. Also called: KONIGSMARK SYNDROME; DEAFNESS, AUTOSOMAL DOMINANT 1, WITH OR WITHOUT THROMBOCYTOPENIA. Identifiers: Orphanet 90635, MedGen C1852282, MONDO:0007424, OMIM 124900.
Progressive microcephaly-seizures-cortical blindness-developmental delay syndrome. Also called: Seizures, cortical blindness, and microcephaly syndrome. Identifiers: Orphanet 477814, MedGen C5567650, MONDO:0014714, OMIM 616632.

Allele frequency attached by ClinVar (database versions not stated): ESP Exome Variant Server 0.00008; gnomAD 0.00009; TOPMed 0.00012; ExAC 0.00013; gnomAD exomes 0.00014; 1000 Genomes Project 0.00020; 1000 Genomes Project 30x 0.00031.
gnomAD v4.1: 180 of 1,604,788 alleles (0.011%); highest among the groups gnomAD compares: Middle Eastern, 0.017%; no homozygotes.

Submissions (3):

Labcorp Genetics (formerly Invitae), Labcorp
Classification: Likely benign for Progressive microcephaly-seizures-cortical blindness-developmental delay syndrome; Autosomal dominant nonsyndromic hearing loss 1. Last evaluated: 2025-12-24. Review status: criteria provided, single submitter. Criteria: Invitae Variant Classification Sherloc (09022015). Collection method: clinical testing. Allele origin: germline.

Blueprint Genetics
Classification: Likely benign. Last evaluated: 2024-11-25. Review status: criteria provided, single submitter. Criteria: ACMG Guidelines, 2015. Collection method: clinical testing. Allele origin: germline.

Laboratory for Molecular Medicine, Mass General Brigham Personalized Medicine
Classification: Likely benign. Last evaluated: 2013-01-08. Review status: criteria provided, single submitter. Criteria: LMM Criteria. Collection method: clinical testing. Allele origin: germline. Observed: 2 variant alleles.
Comment: 1397-14C>T in intron 13 of DIAPH1: This variant is not expected to have clinical significance because computational tools do not suggest an impact to splicing.

NM_005219.5(DIAPH1):c.1397-14C>T

Gene: DIAPH1 (diaphanous related formin 1; minus strand). Cytogenetic location: 5q31.3.
Variant type: single nucleotide variant.
Coding change: c.1397-14C>T on transcript NM_005219.5 (MANE Select); 14 bases into the intron before coding-DNA position 1397, C replaced by T.
Molecular consequence: intron variant.
Genome position (GRCh38, 1-based): chr5:141,576,308, G>A on the plus strand (C>T on the coding strand, the complement: DIAPH1 is on the minus strand). VCF-style: chr5-141576308-G-A. GRCh37 (hg19) VCF-style: chr5-140955875-G-A.
Other names: c.1370-14C>T (NM_001079812.3); c.1397-14C>T (NM_001314007.2).
Identifiers: ClinVar variation 45213 (VCV000045213.13), dbSNP rs201444168, ClinGen allele CA135748.